The following is an entry in ClinVar:

NM_001267550.2(TTN):c.28269A>G (p.Thr9423=)

Gene: TTN (titin; minus strand). Cytogenetic location: 2q31.2.
Variant type: single nucleotide variant.
Coding change: c.28269A>G on transcript NM_001267550.2 (MANE Select); coding-DNA position 28269, A replaced by G.
Protein change: p.Thr9423=; no amino-acid change (threonine 9423 retained).
Molecular consequence: synonymous variant. On other transcripts: intron variant (3).
Genome position (GRCh38, 1-based): chr2:178,710,828, T>C on the plus strand (A>G on the coding strand, the complement: TTN is on the minus strand). VCF-style: chr2-178710828-T-C. GRCh37 (hg19) VCF-style: chr2-179575555-T-C.
Other names: c.27318A>G, p.Thr9106= (NM_001256850.1); c.24537A>G, p.Thr8179= (NM_133378.4); c.13282+27254A>G (NM_003319.4); c.13858+27254A>G (NM_133437.4); c.13657+27254A>G (NM_133432.3).
Identifiers: ClinVar variation 466974 (VCV000466974.14), dbSNP rs550056960, ClinGen allele CA1999622.

ClinVar aggregate classification (germline): Likely benign. Review status: criteria provided, multiple submitters, no conflicts (2 of 4 stars). 4 submissions from 4 submitters: Likely benign (4). Last evaluated 2026-04-27.

Conditions:
Autosomal recessive limb-girdle muscular dystrophy type 2J (LGMDR10). Also called: Limb-girdle muscular dystrophy, type 2J; MUSCULAR DYSTROPHY, LIMB-GIRDLE, AUTOSOMAL RECESSIVE 10. Identifiers: Orphanet 140922, MedGen C1837342, MONDO:0012127, OMIM 608807.
Dilated cardiomyopathy 1G (CMD1G). Identifiers: Orphanet 154, MedGen C1858763, MONDO:0011400, OMIM 604145.
TTN-related disorder. Also called: TTN-related condition; TTN-related disease; TTN-related disorders.

Allele frequency attached by ClinVar (database versions not stated): gnomAD 0.00005 and 0.00006; TOPMed 0.00008; 1000 Genomes Project 0.00040; 1000 Genomes Project 30x 0.00047.
gnomAD v4.1: 12 of 1,613,926 alleles (0.00074%); highest among the groups gnomAD compares: African/African-American, 0.013%; no homozygotes.

Submissions (4):

PreventionGenetics, part of Exact Sciences
Classification: Likely benign for TTN-related condition. Last evaluated: 2026-04-27. Review status: criteria provided, single submitter. Criteria: ACMG Guidelines, 2015. Collection method: clinical testing. Allele origin: germline.
Comment: This variant is classified as likely benign based on ACMG/AMP sequence variant interpretation guidelines (Richards et al. 2015 PMID: 25741868, with internal and published modifications).

Labcorp Genetics (formerly Invitae), Labcorp
Classification: Likely benign for Dilated cardiomyopathy 1G; Autosomal recessive limb-girdle muscular dystrophy type 2J. Last evaluated: 2026-01-26. Review status: criteria provided, single submitter. Criteria: Invitae Variant Classification Sherloc (09022015). Collection method: clinical testing. Allele origin: germline.

Molecular Diagnostic Laboratory for Inherited Cardiovascular Disease, Montreal Heart Institute
Classification: Likely benign. Last evaluated: 2025-04-09. Review status: criteria provided, single submitter. Criteria: ACMG Guidelines, 2015. Collection method: clinical testing. Allele origin: germline. Affected: no.
Comment: BP1

Women's Health and Genetics/Laboratory Corporation of America, LabCorp
Classification: Likely benign. Last evaluated: 2023-06-26. Review status: criteria provided, single submitter. Criteria: LabCorp Variant Classification Summary - May 2015. Collection method: clinical testing. Allele origin: germline.
Comment: Variant summary: TTN c.24537A>G alters a conserved nucleotide resulting in a synonymous change. 4/4 computational tools predict no significant impact on normal splicing. However, these predictions have yet to be confirmed by functional studies. The variant allele was found at a frequency of 1.2e-05 in 248948 control chromosomes. The available data on variant occurrences in the general population are insufficient to allow any conclusion about variant significance. To our knowledge, no occurrence of c.24537A>G in individuals affected with Dilated Cardiomyopathy and no experimental evidence demonstrating its impact on protein function have been reported. One submitter has cited clinical-significance assessments for this variant to ClinVar after 2014 and has classified the variant as benign/likely benign. Based on the evidence outlined above, the variant was classified as likely benign.